The following is an entry in ClinVar:

ClinVar aggregate classification (germline): Pathogenic (1 of 4 stars; one submission).

Conditions:
Familial adenomatous polyposis 1 (FAP1). Also called: FAMILIAL ADENOMATOUS POLYPOSIS 1, ATTENUATED; POLYPOSIS, ADENOMATOUS INTESTINAL. Identifiers: MedGen C2713442, MONDO:0021056, OMIM 175100. Disease mechanism: loss of function.

Submission:

Myriad Genetics, Inc.
Classification: Pathogenic for Familial adenomatous polyposis 1. Last evaluated: 2023-05-01. Review status: criteria provided, single submitter. Criteria: Myriad Autosomal Dominant, Autosomal Recessive and X-Linked Classification Criteria (2023). Collection method: clinical testing. Allele origin: unknown.
Comment: This variant is considered pathogenic. This variant creates a frameshift predicted to result in premature protein truncation.

NM_000038.6(APC):c.1298del (p.Gln433fs)

Gene: APC (APC regulator of Wnt signaling pathway; plus strand). Cytogenetic location: 5q22.2.
Variant type: Deletion.
Coding change: c.1298del on transcript NM_000038.6 (MANE Select); coding-DNA position 1298, one base deleted (A; older notation c.1298delA).
Protein change: p.Gln433fs; shifts the reading frame from glutamine 433.
Molecular consequence: frameshift variant. On other transcripts: non-coding transcript variant (2).
Genome position (GRCh38, 1-based): chr5:112,819,330, A deleted. VCF-style (leftmost placement, unchanged base first): chr5-112819329-CA-C. GRCh37 (hg19) VCF-style: chr5-112155026-CA-C.
Other names: c.995del, p.Gln332fs (NM_001407459.1, NM_001407460.1, NM_001354903.2 and 5 more transcripts); c.911del, p.Gln304fs (NM_001407467.1, NM_001407469.1); c.449del, p.Gln150fs (NM_001407470.1, NM_001354906.2); c.146del, p.Gln49fs (NM_001407471.1, NM_001407472.1); c.1298del, p.Gln433fs (NM_001127510.3, NM_001354895.2, NM_001354896.2 and 4 more transcripts); c.1244del, p.Gln415fs (NM_001127511.3); c.1328del, p.Gln443fs (NM_001354897.2, NM_001407446.1); c.1223del, p.Gln408fs (NM_001354898.2, NM_001407451.1); and 5 more; short protein forms Q150fs, Q273fs, Q304fs, Q307fs, Q332fs, Q342fs, Q374fs, Q405fs.
Identifiers: ClinVar variation 2584058 (VCV002584058.2), dbSNP rs2533060521, ClinGen allele CA2582341281.